The following is an entry in ClinVar:

NM_000256.3(MYBPC3):c.643C>T (p.Arg215Cys)

Gene: MYBPC3 (myosin binding protein C3; minus strand). Cytogenetic location: 11p11.2.
Variant type: single nucleotide variant.
Coding change: c.643C>T on transcript NM_000256.3 (MANE Select); coding-DNA position 643, C replaced by T.
Protein change: p.Arg215Cys; replaces arginine 215 with cysteine.
Molecular consequence: missense variant.
Genome position (GRCh38, 1-based): chr11:47,349,785, G>A on the plus strand (C>T on the coding strand, the complement: MYBPC3 is on the minus strand). VCF-style: chr11-47349785-G-A. GRCh37 (hg19) VCF-style: chr11-47371336-G-A.
Other names: short protein forms R215C.
Identifiers: ClinVar variation 42777 (VCV000042777.49), dbSNP rs397516063, ClinGen allele CA015589.

ClinVar aggregate classification (germline): Conflicting classifications of pathogenicity. Review status: criteria provided, conflicting classifications (1 of 4 stars). 13 submissions from 13 submitters: Uncertain significance (7); Likely benign (6). Last evaluated 2025-12-29.

Conditions:
Cardiovascular phenotype. Identifiers: MedGen CN230736.
Cardiomyopathy (CMYO). Also called: Cardiomyopathies. Identifiers: Orphanet 167848, MedGen C0878544, MONDO:0004994, HP:0001638. Inheritance: Various modes of inheritance.
Hypertrophic cardiomyopathy 4. Also called: Familial hypertrophic cardiomyopathy 4. Identifiers: MedGen C1861862, MONDO:0007268, OMIM 115197.
Hypertrophic cardiomyopathy. Also called: HYPERTROPHIC MYOCARDIOPATHY. Identifiers: Orphanet 217569, MedGen C0007194, MeSH D002312, MONDO:0005045, HP:0001639.

Allele frequency attached by ClinVar (database versions not stated): TOPMed 0.00006; ExAC 0.00015; 1000 Genomes Project 0.00020; 1000 Genomes Project 30x 0.00031; gnomAD 0.00002 and 0.00003.

Submissions (13):

Labcorp Genetics (formerly Invitae), Labcorp
Classification: Likely benign for Hypertrophic cardiomyopathy. Last evaluated: 2025-12-29. Review status: criteria provided, single submitter. Criteria: Invitae Variant Classification Sherloc (09022015). Collection method: clinical testing. Allele origin: germline.

Molecular Diagnostic Laboratory for Inherited Cardiovascular Disease, Montreal Heart Institute
Classification: Uncertain significance for Cardiovascular phenotype. Last evaluated: 2025-07-24. Review status: criteria provided, single submitter. Criteria: ACMG Guidelines, 2015. Collection method: clinical testing. Allele origin: germline. Affected: yes.

Color Diagnostics, LLC DBA Color Health
Classification: Likely benign for Cardiomyopathy. Last evaluated: 2024-11-18. Review status: criteria provided, single submitter. Criteria: ACMG Guidelines, 2015. Collection method: clinical testing. Allele origin: germline.

CeGaT Center for Human Genetics Tuebingen
Classification: Uncertain significance. Last evaluated: 2024-09-01. Review status: criteria provided, single submitter. Criteria: CeGaT Center For Human Genetics Tuebingen Variant Classification Criteria Version 2. Collection method: clinical testing. Allele origin: germline. Affected: yes. Observed: 1 variant allele.

Blueprint Genetics
Classification: Likely benign. Last evaluated: 2024-06-13. Review status: criteria provided, single submitter. Criteria: ACMG Guidelines, 2015. Collection method: clinical testing. Allele origin: germline.

All of Us Research Program, National Institutes of Health
Classification: Uncertain significance for Hypertrophic cardiomyopathy. Last evaluated: 2024-02-05. Review status: criteria provided, single submitter. Criteria: ACMG Guidelines, 2015. Collection method: clinical testing. Allele origin: germline. Inheritance: Autosomal dominant inheritance. Observed: 10 variant alleles, 10 heterozygotes.
Comment: This missense variant replaces arginine with cysteine at codon 215 of the MYBPC3 protein. Computational prediction tool indicates that this variant may have an inconclusive impact on protein structure and function, PMID: 27666373). To our knowledge, functional studies have not been reported for this variant. This variant has been reported in three individuals affected with hypertrophic cardiomyopathy (PMID: 23283745, 30600190, and 33495597). This variant was also reported in one individual who was affected with dilated cardiomyopathy (PMID: 33029862). Some of these individuals also carried a pathogenic variant in the TNNT2 gene that could explain the observed phenotype (PMID: 23283745). This variant has been identified in 28/240996 chromosomes in the general population by the Genome Aggregation Database (gnomAD). The available evidence is insufficient to determine the role of this variant in disease conclusively. Therefore, this variant is classified as a Variant of Uncertain Significance.

This study involves interpretation of variants in research participants for the purpose of population health screening. Participant phenotype was not available at the time of variant classification. Additional details can be found in publication PMID: 35346344, PMCID: PMC8962531

Revvity Omics, Revvity
Classification: Uncertain significance. Last evaluated: 2022-04-01. Review status: criteria provided, single submitter. Criteria: ACMG Guidelines, 2015. Collection method: clinical testing. Allele origin: germline.

Ambry Genetics
Classification: Likely benign for Cardiovascular phenotype. Last evaluated: 2021-10-21. Review status: criteria provided, single submitter. Criteria: Ambry Variant Classification Scheme 2023. Collection method: clinical testing. Allele origin: germline.

Laboratorio de Genetica e Diagnostico Molecular, Hospital Israelita Albert Einstein
Classification: Uncertain significance. Last evaluated: 2021-04-05. Review status: criteria provided, single submitter. Criteria: ACMG Guidelines, 2015. Collection method: clinical testing. Allele origin: germline. Affected: yes.
Comment: ACMG classification criteria: PP3

CHEO Genetics Diagnostic Laboratory, Children's Hospital of Eastern Ontario
Classification: Likely benign for Cardiomyopathy. Last evaluated: 2020-06-23. Review status: criteria provided, single submitter. Criteria: ACMG Guidelines, 2015. Collection method: clinical testing. Allele origin: germline.

Mendelics
Classification: Uncertain significance for Hypertrophic cardiomyopathy 4. Last evaluated: 2019-05-28. Review status: criteria provided, single submitter. Criteria: Mendelics Assertion Criteria 2017. Collection method: clinical testing. Allele origin: unknown.

Center for Advanced Laboratory Medicine, UC San Diego Health, University of California San Diego
Classification: Likely benign for Cardiomyopathy. Last evaluated: 2018-03-22. Review status: criteria provided, single submitter. Criteria: ACMG Guidelines, 2015. Collection method: clinical testing. Allele origin: germline. Affected: yes. Observed: 1 variant allele.

Laboratory for Molecular Medicine, Mass General Brigham Personalized Medicine
Classification: Uncertain significance. Last evaluated: 2014-06-25. Review status: criteria provided, single submitter. Criteria: LMM Criteria. Collection method: clinical testing. Allele origin: germline. Observed: 3 variant alleles.
Comment: proposed classification - variant undergoing re-assessment, contact laboratory

Literature cited by the submitters: PubMed 23283745 (cited by All of Us Research Program, National Institutes of Health and Laboratory for Molecular Medicine, Mass General Brigham Personalized Medicine); PubMed 30600190 (cited by All of Us Research Program, National Institutes of Health and Ambry Genetics); PubMed 33029862 (cited by All of Us Research Program, National Institutes of Health and Ambry Genetics); PubMed 25132132 (cited by Ambry Genetics); PubMed 28679633 (cited by Ambry Genetics); PubMed 29192238 (cited by Ambry Genetics); PubMed 33495597 (cited by Ambry Genetics).